The following is an entry in ClinVar:

ClinVar aggregate classification (germline): Uncertain significance (1 of 4 stars; one submission).

Conditions:
Spastic paraplegia. Identifiers: MedGen C0037772, HP:0001258.

Submission:

Labcorp Genetics (formerly Invitae), Labcorp
Classification: Uncertain significance for Spastic paraplegia. Last evaluated: 2021-04-08. Review status: criteria provided, single submitter. Criteria: Invitae Variant Classification Sherloc (09022015). Collection method: clinical testing. Allele origin: germline.
Comment: This variant has not been reported in the literature in individuals with L1CAM-related conditions. This variant is not present in population databases (ExAC no frequency). This sequence change replaces arginine with leucine at codon 68 of the L1CAM protein (p.Arg68Leu). The arginine residue is moderately conserved and there is a moderate physicochemical difference between arginine and leucine. In summary, the available evidence is currently insufficient to determine the role of this variant in disease. Therefore, it has been classified as a Variant of Uncertain Significance. Advanced modeling of protein sequence and biophysical properties (such as structural, functional, and spatial information, amino acid conservation, physicochemical variation, residue mobility, and thermodynamic stability) performed at Invitae indicates that this missense variant is not expected to disrupt L1CAM protein function.

NM_001278116.2(L1CAM):c.203G>T (p.Arg68Leu)

Gene: L1CAM (L1 cell adhesion molecule; minus strand). Cytogenetic location: Xq28.
Variant type: single nucleotide variant.
Coding change: c.203G>T on transcript NM_001278116.2 (MANE Select); coding-DNA position 203, G replaced by T.
Protein change: p.Arg68Leu; replaces arginine 68 with leucine.
Molecular consequence: missense variant.
Genome position (GRCh38, 1-based): chrX:153,872,349, C>A on the plus strand (G>T on the coding strand, the complement: L1CAM is on the minus strand). VCF-style: chrX-153872349-C-A. GRCh37 (hg19) VCF-style: chrX-153137804-C-A.
Other names: c.203G>T, p.Arg68Leu (NM_000425.5, NM_024003.3); c.188G>T, p.Arg63Leu (NM_001143963.2); short protein forms R63L, R68L.
Identifiers: ClinVar variation 1385748 (VCV001385748.8), dbSNP rs2064778846, ClinGen allele CA415139469.